The following is an entry in ClinVar:

ClinVar aggregate classification (germline): Pathogenic. Review status: criteria provided, single submitter (1 of 4 stars). 2 submissions from 2 submitters: Pathogenic (1). 1 of the submissions does not count toward it. Last evaluated 2024-08-27.

Conditions:
Hereditary spastic paraplegia 11. Also called: SPASTIC PARAPLEGIA, AUTOSOMAL RECESSIVE, COMPLICATED, WITH THIN CORPUS CALLOSUM; SPASTIC PARAPLEGIA, AUTOSOMAL RECESSIVE, WITH MENTAL IMPAIRMENT AND THIN CORPUS CALLOSUM; Spastic paraplegia, mental retardation and thin corpus callosum; Spastic Paraplegia 11; Nakamura Osame syndrome; Autosomal recessive hereditary spastic paraplegia, mental impairment, and thin corpus callosum. Identifiers: Orphanet 2822, MedGen C1858479, MONDO:0011445, OMIM 604360.

Submissions (2):

Labcorp Genetics (formerly Invitae), Labcorp
Classification: Pathogenic for Hereditary spastic paraplegia 11. Last evaluated: 2024-08-27. Review status: criteria provided, single submitter. Criteria: Invitae Variant Classification Sherloc (09022015). Collection method: clinical testing. Allele origin: germline.
Comment: This sequence change creates a premature translational stop signal (p.Cys518Serfs*39) in the SPG11 gene. It is expected to result in an absent or disrupted protein product. Loss-of-function variants in SPG11 are known to be pathogenic (PMID: 19105190, 20110243, 22154821, 26556829). This variant is not present in population databases (gnomAD no frequency). This premature translational stop signal has been observed in individual(s) with hereditary spastic paraplegia (PMID: 18663179). This variant is also known as c.1550_1551delTT (p.L517fsX556). ClinVar contains an entry for this variant (Variation ID: 41275). For these reasons, this variant has been classified as Pathogenic.

GeneReviews
No classification provided. Condition: Hereditary spastic paraplegia 11. Review status: no classification provided. Collection method: literature only. Allele origin: unknown. Not counted in ClinVar's aggregate classification.

Literature cited by the submitters: PubMed 19105190 (cited by Labcorp Genetics (formerly Invitae), Labcorp); PubMed 20110243 (cited by Labcorp Genetics (formerly Invitae), Labcorp); PubMed 22154821 (cited by Labcorp Genetics (formerly Invitae), Labcorp); PubMed 26556829 (cited by Labcorp Genetics (formerly Invitae), Labcorp); PubMed 18663179 (cited by Labcorp Genetics (formerly Invitae), Labcorp and GeneReviews); PubMed 20301389 (cited by GeneReviews); NCBI Bookshelf NBK1210 (cited by GeneReviews).

NM_025137.4(SPG11):c.1551_1552del (p.Cys518fs)

Gene: SPG11 (SPG11 vesicle trafficking associated, spatacsin; minus strand). Cytogenetic location: 15q21.1.
Variant type: Deletion.
Coding change: c.1551_1552del on transcript NM_025137.4 (MANE Select); coding-DNA positions 1551 to 1552, 2 bases deleted (TT; older notation c.1551_1552delTT).
Protein change: p.Cys518fs; shifts the reading frame from cysteine 518.
Molecular consequence: frameshift variant.
Genome position (GRCh38, 1-based): chr15:44,648,916-44,648,917, AA deleted on the plus strand (TT on the coding strand, the reverse complement: SPG11 is on the minus strand); deleting any 2 consecutive bases within chr15:44,648,916-44,648,918 gives the same sequence; the c. name uses the placement nearest the transcript's 3' end. VCF-style (leftmost placement, unchanged base first): chr15-44648915-CAA-C. GRCh37 (hg19) VCF-style: chr15-44941113-CAA-C.
Other names: c.1551_1552del, p.Cys518fs (NM_001160227.2); short protein forms C518fs.
Identifiers: ClinVar variation 41275 (VCV000041275.10), dbSNP rs312262730, ClinGen allele CA344300.